The following is an entry in ClinVar:

ClinVar aggregate classification (germline): Pathogenic/Likely pathogenic. Review status: criteria provided, multiple submitters, no conflicts (2 of 4 stars). 4 submissions from 4 submitters: Pathogenic (1); Likely pathogenic (3). Last evaluated 2026-04-24.

Conditions:
INVS-related disorder. Also called: INVS-related condition.
Nephronophthisis. Also called: Juvenile Nephronophthisis. Identifiers: Orphanet 655, MedGen C0687120, MONDO:0019005, HP:0000090.
Infantile nephronophthisis (NPHP2). Also called: Nephronophthisis 2, infantile; Nephronophthisis 2. Identifiers: Orphanet 655, Orphanet 93591, MedGen C1865872, MONDO:0011190, OMIM 602088.

gnomAD v4.1: 5 of 1,605,822 alleles (0.00031%); highest among the groups gnomAD compares: Admixed American, 0.0033%; no homozygotes.

Submissions (4):

PreventionGenetics, part of Exact Sciences
Classification: Likely pathogenic for INVS-related condition. Last evaluated: 2026-04-24. Review status: criteria provided, single submitter. Criteria: ACMG Guidelines, 2015. Collection method: clinical testing. Allele origin: germline.
Comment: The INVS c.1464+1G>T variant is predicted to disrupt the GT donor site and interfere with normal splicing. This variant was reported in an individual with nephronophthisis (Figure S1, Somashekar et al. 2020. PubMed ID: 31706999). This variant is reported in 0.0029% of alleles in individuals of Latino descent in gnomAD (gnomAD). Variants that disrupt the consensus splice donor site in INVS are expected to be pathogenic. This variant is interpreted as likely pathogenic.

Labcorp Genetics (formerly Invitae), Labcorp
Classification: Likely pathogenic for Nephronophthisis. Last evaluated: 2025-10-03. Review status: criteria provided, single submitter. Criteria: Invitae Variant Classification Sherloc (09022015). Collection method: clinical testing. Allele origin: germline.
Comment: This sequence change affects a donor splice site in intron 10 of the INVS gene. It is expected to disrupt RNA splicing. Variants that disrupt the donor or acceptor splice site typically lead to a loss of protein function (PMID: 16199547), and loss-of-function variants in INVS are known to be pathogenic (PMID: 12872123). This variant is present in population databases (rs375753623, gnomAD 0.006%). This variant has not been reported in the literature in individuals affected with INVS-related conditions. ClinVar contains an entry for this variant (Variation ID: 594813). Algorithms developed to predict the effect of sequence changes on RNA splicing suggest that this variant may disrupt the consensus splice site. In summary, the currently available evidence indicates that the variant is pathogenic, but additional data are needed to prove that conclusively. Therefore, this variant has been classified as Likely Pathogenic.

Dasa
Classification: Likely pathogenic for nephronophthisis 2. Last evaluated: 2025-09-15. Review status: criteria provided, single submitter. Criteria: DASA Assertion Criteria. Collection method: clinical testing. Allele origin: germline.
Comment: NM_014425.5(INVS):c.1464+1G>T affects a canonical splice site and is predicted to disrupt normal RNA splicing. Loss of function is an established disease mechanism for INVS-associated disorders. Also, this variant is rare in population databases. Based on the currently available evidence, this variant is classified as likely pathogenic.

Eurofins Ntd Llc (ga)
Classification: Pathogenic. Last evaluated: 2017-11-02. Review status: criteria provided, single submitter. Criteria: EGL Classification Definitions 2015. Collection method: clinical testing. Allele origin: germline. Observed: 1 variant allele, 1 heterozygote.

Literature cited by the submitters: PubMed 16199547 (cited by Labcorp Genetics (formerly Invitae), Labcorp); PubMed 12872123 (cited by Labcorp Genetics (formerly Invitae), Labcorp).

NM_014425.5(INVS):c.1464+1G>T

Gene: INVS (inversin; plus strand). Cytogenetic location: 9q31.1.
Variant type: single nucleotide variant.
Coding change: c.1464+1G>T on transcript NM_014425.5 (MANE Select); the canonical splice donor site of the intron after coding-DNA position 1464, G replaced by T.
Molecular consequence: splice donor variant.
Genome position (GRCh38, 1-based): chr9:100,253,137, G>T. VCF-style: chr9-100253137-G-T. GRCh37 (hg19) VCF-style: chr9-103015419-G-T.
Other names: c.1176+1G>T (NM_001318381.2); c.486+1G>T (NM_001318382.2); c.1464+1G>T (NM_014425.4).
Identifiers: ClinVar variation 594813 (VCV000594813.15), dbSNP rs375753623, ClinGen allele CA5158389.